The following is an entry in ClinVar:

NM_024422.6(DSC2):c.408A>T (p.Arg136Ser)

Gene: DSC2 (desmocollin 2; minus strand). Cytogenetic location: 18q12.1.
Variant type: single nucleotide variant.
Coding change: c.408A>T on transcript NM_024422.6 (MANE Select); coding-DNA position 408, A replaced by T.
Protein change: p.Arg136Ser; replaces arginine 136 with serine.
Molecular consequence: missense variant. On other transcripts: 5 prime UTR variant (2).
Genome position (GRCh38, 1-based): chr18:31,091,094, T>A on the plus strand (A>T on the coding strand, the complement: DSC2 is on the minus strand). VCF-style: chr18-31091094-T-A. GRCh37 (hg19) VCF-style: chr18-28671057-T-A.
Other names: c.-22A>T (NM_001406506.1, NM_001406507.1); c.408A>T, p.Arg136Ser (NM_004949.5); short protein forms R136S.
Identifiers: ClinVar variation 4752403 (VCV004752403.1).
Genomic context (GRCh38, chr18:31,091,094, plus strand): 5'-AAGGAAAAGTGGAAAAGGACCCAAGGAGTTTTCTAGCATCGAACAAGGAATTGGAGCCCA[T>A]CTTCTCTTGGCGCGCCTTAGAACTTTTTCTTTAGTATGTCTTTTCTTTAGGACCTCAATT-3'
Protein context (NP_077740.1, residues 126-146): KEKVLRRAKR[Arg136Ser]WAPIPCSMLE

ClinVar aggregate classification (germline): Uncertain significance (1 of 4 stars; one submission).

Conditions:
Arrhythmogenic right ventricular dysplasia 11. Also called: ARRHYTHMOGENIC RIGHT VENTRICULAR DYSPLASIA, FAMILIAL, 11; Arrhythmogenic Right Ventricular Dysplasia/Cardiomyopathy11; Arrhythmogenic right ventricular dysplasia 11 with mild palmoplantar keratoderma and woolly hair. Identifiers: MedGen C1864850, MONDO:0012506, OMIM 610476.

Submission:

Labcorp Genetics (formerly Invitae), Labcorp
Classification: Uncertain significance for Arrhythmogenic right ventricular dysplasia 11. Last evaluated: 2025-12-24. Review status: criteria provided, single submitter. Criteria: Invitae Variant Classification Sherloc (09022015). Collection method: clinical testing. Allele origin: germline.
Comment: This sequence change replaces arginine, which is basic and polar, with serine, which is neutral and polar, at codon 136 of the DSC2 protein (p.Arg136Ser). This variant is not present in population databases (gnomAD no frequency). This variant has not been reported in the literature in individuals affected with DSC2-related conditions. Invitae Evidence Modeling of protein sequence and biophysical properties (such as structural, functional, and spatial information, amino acid conservation, physicochemical variation, residue mobility, and thermodynamic stability) indicates that this missense variant is expected to disrupt DSC2 protein function with a positive predictive value of 80%. Algorithms developed to predict the effect of sequence changes on RNA splicing suggest that this variant may disrupt the consensus splice site. In summary, the available evidence is currently insufficient to determine the role of this variant in disease. Therefore, it has been classified as a Variant of Uncertain Significance.